The following is an entry in ClinVar:

ClinVar aggregate classification (germline): Uncertain significance (1 of 4 stars; one submission).

Conditions:
Inborn genetic diseases. Identifiers: MedGen C0950123, MeSH D030342.

gnomAD v4.1: 1 of 1,614,160 alleles (0.000062%); highest among the groups gnomAD compares: Non-Finnish European, 0.000085%; no homozygotes.

Submission:

Ambry Genetics
Classification: Uncertain significance for Inborn genetic diseases. Last evaluated: 2025-01-20. Review status: criteria provided, single submitter. Criteria: Ambry Variant Classification Scheme 2023. Collection method: clinical testing. Allele origin: germline.
Comment: The p.T475R variant (also known as c.1424C>G), located in coding exon 15 of the FANCA gene, results from a C to G substitution at nucleotide position 1424. The threonine at codon 475 is replaced by arginine, an amino acid with similar properties. This amino acid position is conserved. In addition, the in silico prediction for this alteration is inconclusive. Based on the available evidence, the clinical significance of this variant remains unclear.

NM_000135.4(FANCA):c.1424C>G (p.Thr475Arg)

Gene: FANCA (FA complementation group A; minus strand). Cytogenetic location: 16q24.3.
Variant type: single nucleotide variant.
Coding change: c.1424C>G on transcript NM_000135.4 (MANE Select); coding-DNA position 1424, C replaced by G.
Protein change: p.Thr475Arg; replaces threonine 475 with arginine.
Molecular consequence: missense variant.
Genome position (GRCh38, 1-based): chr16:89,784,900, G>C on the plus strand (C>G on the coding strand, the complement: FANCA is on the minus strand). VCF-style: chr16-89784900-G-C. GRCh37 (hg19) VCF-style: chr16-89851308-G-C.
Other names: c.1424C>G, p.Thr475Arg (NM_001286167.3); short protein forms T475R.
Identifiers: ClinVar variation 3848130 (VCV003848130.1).
Genomic context (GRCh38, chr16:89,784,900, plus strand): 5'-AGCCAGCTTCTCACCTGCAGGTACCGGGGAGACTCAAAAGGCACGAGTTCTGACAAGAAC[G>C]TAAACAGGAAGACCAGGGCCTTCTTGCTGCAGCCATGGTAGCCTCGTGTGCTCCCAAAGG-3'
Protein context (NP_000126.2, residues 465-485): CSKKALVFLF[Thr475Arg]FLSELVPFES